The following is an entry in ClinVar:

ClinVar aggregate classification (germline): Uncertain significance. Review status: criteria provided, multiple submitters, no conflicts (2 of 4 stars). 2 submissions from 2 submitters: Uncertain significance (2). Last evaluated 2025-11-24.

Conditions:
Mitochondrial trifunctional protein deficiency. Identifiers: Orphanet 746, MedGen C1969443, MONDO:0012172.
Long chain 3-hydroxyacyl-CoA dehydrogenase deficiency. Also called: Deficiency of long-chain 3-hydroxyacyl-coenzyme A dehydrogenase; LCHAD Deficiency. Identifiers: Orphanet 5, MedGen C3711645, MONDO:0012173, OMIM 609016.
Inborn genetic diseases. Identifiers: MedGen C0950123, MeSH D030342.

Submissions (2):

Ambry Genetics
Classification: Uncertain significance for Inborn genetic diseases. Last evaluated: 2025-11-24. Review status: criteria provided, single submitter. Criteria: Ambry Variant Classification Scheme 2023. Collection method: clinical testing. Allele origin: germline.

Labcorp Genetics (formerly Invitae), Labcorp
Classification: Uncertain significance for Mitochondrial trifunctional protein deficiency; Long chain 3-hydroxyacyl-CoA dehydrogenase deficiency. Last evaluated: 2021-09-17. Review status: criteria provided, single submitter. Criteria: Invitae Variant Classification Sherloc (09022015). Collection method: clinical testing. Allele origin: germline.
Comment: This sequence change replaces serine with cysteine at codon 556 of the HADHA protein (p.Ser556Cys). The serine residue is moderately conserved and there is a moderate physicochemical difference between serine and cysteine. This variant is not present in population databases (ExAC no frequency). This variant has not been reported in the literature in individuals affected with HADHA-related conditions. Algorithms developed to predict the effect of missense changes on protein structure and function are either unavailable or do not agree on the potential impact of this missense change (SIFT: "Deleterious"; PolyPhen-2: "Possibly Damaging"; Align-GVGD: "Class C0"). In summary, the available evidence is currently insufficient to determine the role of this variant in disease. Therefore, it has been classified as a Variant of Uncertain Significance.

NM_000182.5(HADHA):c.1667C>G (p.Ser556Cys)

Genes: HADHA (hydroxyacyl-CoA dehydrogenase trifunctional multienzyme complex subunit alpha; minus strand), GAREM2 (GRB2 associated regulator of MAPK1 subtype 2; plus strand). Cytogenetic location: 2p23.3.
Variant type: single nucleotide variant.
Coding change: c.1667C>G on transcript NM_000182.5 (MANE Select); coding-DNA position 1667, C replaced by G.
Protein change: p.Ser556Cys; replaces serine 556 with cysteine.
Molecular consequence: missense variant.
Genome position (GRCh38, 1-based): chr2:26,194,592, G>C on the plus strand (C>G on the coding strand, the complement: HADHA is on the minus strand). VCF-style: chr2-26194592-G-C. GRCh37 (hg19) VCF-style: chr2-26417461-G-C.
Other names: c.1667C>G (NM_000182.4); short protein forms S556C.
Identifiers: ClinVar variation 1443810 (VCV001443810.6), dbSNP rs2147753043, ClinGen allele CA346119122.